The following is an entry in ClinVar:

ClinVar aggregate classification (germline): Uncertain significance. Review status: criteria provided, multiple submitters, no conflicts (2 of 4 stars). 2 submissions from 2 submitters: Uncertain significance (2). Last evaluated 2023-02-14.

Conditions:
Inborn genetic diseases. Identifiers: MedGen C0950123, MeSH D030342.
Familial sleep-related hypermotor epilepsy. Also called: Autosomal Dominant Sleep-Related Hypermotor (Hyperkinetic) Epilepsy. Identifiers: Orphanet 98784, MedGen C3696898, MONDO:0000030.

Submissions (2):

Ambry Genetics
Classification: Uncertain significance for Inborn genetic diseases. Last evaluated: 2023-02-14. Review status: criteria provided, single submitter. Criteria: Ambry Variant Classification Scheme 2023. Collection method: clinical testing. Allele origin: germline.

Labcorp Genetics (formerly Invitae), Labcorp
Classification: Uncertain significance. Last evaluated: 2022-11-23. Review status: criteria provided, single submitter. Criteria: Invitae Variant Classification Sherloc (09022015). Collection method: clinical testing. Allele origin: germline.
Comment: This sequence change replaces glycine, which is neutral and non-polar, with aspartic acid, which is acidic and polar, at codon 294 of the CHRNA2 protein (p.Gly294Asp). This variant is not present in population databases (gnomAD no frequency). This variant has not been reported in the literature in individuals affected with CHRNA2-related conditions. Advanced modeling of protein sequence and biophysical properties (such as structural, functional, and spatial information, amino acid conservation, physicochemical variation, residue mobility, and thermodynamic stability) has been performed at Invitae for this missense variant, however the output from this modeling did not meet the statistical confidence thresholds required to predict the impact of this variant on CHRNA2 protein function. In summary, the available evidence is currently insufficient to determine the role of this variant in disease. Therefore, it has been classified as a Variant of Uncertain Significance.

NM_000742.4(CHRNA2):c.881G>A (p.Gly294Asp)

Gene: CHRNA2 (cholinergic receptor nicotinic alpha 2 subunit; minus strand). Cytogenetic location: 8p21.2.
Variant type: single nucleotide variant.
Coding change: c.881G>A on transcript NM_000742.4 (MANE Select); coding-DNA position 881, G replaced by A.
Protein change: p.Gly294Asp; replaces glycine 294 with aspartic acid.
Molecular consequence: missense variant.
Genome position (GRCh38, 1-based): chr8:27,463,562, C>T on the plus strand (G>A on the coding strand, the complement: CHRNA2 is on the minus strand). VCF-style: chr8-27463562-C-T. GRCh37 (hg19) VCF-style: chr8-27321079-C-T.
Other names: c.836G>A, p.Gly279Asp (NM_001282455.2); c.404G>A, p.Gly135Asp (NM_001347705.2, NM_001347706.2); c.287G>A, p.Gly96Asp (NM_001347707.2, NM_001347708.2); short protein forms G96D, G135D, G279D, G294D.
Identifiers: ClinVar variation 2483425 (VCV002483425.5), dbSNP rs2490539365, ClinGen allele CA370810393.
Genomic context (GRCh38, chr8:27,463,562, plus strand): 5'-ATGAGCAGCAGGAAGACGGTGAGTGACAGCAGCACCGAAATGCACAGCGTGATCTTCTCG[C>T]CGCAGTCGGAGGGCAGGTAGAAGACCAGCACAGTGAGGCAGGAGATGAGCAGGCAGGGGA-3'
Protein context (NP_000733.2, residues 284-304): VLVFYLPSDC[Gly294Asp]EKITLCISVL